The following is an entry in ClinVar:

ClinVar aggregate classification (germline): Likely pathogenic (1 of 4 stars; one submission).

Conditions:
Hereditary cancer-predisposing syndrome. Also called: Hereditary neoplastic syndrome; Tumor predisposition; Hereditary Cancer Syndrome; Neoplastic Syndromes, Hereditary. Identifiers: Orphanet 140162, MedGen C0027672, MeSH D009386, MONDO:0015356.

Submission:

Ambry Genetics
Classification: Likely pathogenic for Hereditary cancer-predisposing syndrome. Last evaluated: 2025-06-17. Review status: criteria provided, single submitter. Criteria: Ambry Variant Classification Scheme 2023. Collection method: clinical testing. Allele origin: germline.
Comment: The p.R2659S variant (also known as c.7977A>T), located in coding exon 17 of the BRCA2 gene, results from a A to T substitution at nucleotide position 7977. This variant impacts the first base pair of coding exon 17. The arginine at codon 2659 is replaced by serine, an amino acid with dissimilar properties. This alteration was identified in a cohort of 481 Chinese breast cancer patients with family history of breast/ovarian cancer (Wang J et al. Cancer Med, 2019 May;8:2074-2084). A saturation genome editing-based study using a haploid cell-survival assay demonstrates that this nucleotide substitution is non-functional (Huang H et al. Nature. 2025 Feb;638(8050):528-537). This amino acid position is highly conserved in available vertebrate species. In addition, this alteration is predicted to be deleterious by in silico analysis. Based on the majority of available evidence to date, this variant is likely to be pathogenic.

Literature cited by the submitters: PubMed 30982232.

NM_000059.4(BRCA2):c.7977A>T (p.Arg2659Ser)

Gene: BRCA2 (BRCA2 DNA repair associated; plus strand). Cytogenetic location: 13q13.1.
Variant type: single nucleotide variant.
Coding change: c.7977A>T on transcript NM_000059.4 (MANE Select); coding-DNA position 7977, A replaced by T.
Protein change: p.Arg2659Ser; replaces arginine 2659 with serine.
Molecular consequence: missense variant. On other transcripts: non-coding transcript variant (1).
Genome position (GRCh38, 1-based): chr13:32,363,179, A>T. VCF-style: chr13-32363179-A-T. GRCh37 (hg19) VCF-style: chr13-32937316-A-T.
Other names: c.7881A>T, p.Arg2627Ser (NM_001406719.1); c.7977A>T, p.Arg2659Ser (NM_001406720.1); c.3045A>T, p.Arg1015Ser (NM_001406721.1); c.1560A>T, p.Arg520Ser (NM_001406722.1); short protein forms R520S, R1015S, R2627S, R2659S.
Identifiers: ClinVar variation 2586259 (VCV002586259.3), dbSNP rs766885114, ClinGen allele CA387748455.